The following is an entry in ClinVar:

ClinVar aggregate classification (germline): Uncertain significance (1 of 4 stars; one submission).

Conditions:
Amyotrophic lateral sclerosis type 1 (ALS1). Also called: AMYOTROPHIC LATERAL SCLEROSIS 1, FAMILIAL. Identifiers: Orphanet 803, MedGen C1862939, MONDO:0007103, OMIM 105400.
Perry syndrome. Also called: PARKINSONISM WITH ALVEOLAR HYPOVENTILATION AND MENTAL DEPRESSION. Identifiers: Orphanet 178509, MedGen C1868594, MONDO:0008201, OMIM 168605.
Neuronopathy, distal hereditary motor, type 7B. Also called: Distal Hereditary Motor Neuronopathy Type 7B (dHMN7B); NEURONOPATHY, DISTAL HEREDITARY MOTOR, AUTOSOMAL DOMINANT 14; NEURONOPATHY, DISTAL HEREDITARY MOTOR, HARDING TYPE VIIB; NEUROPATHY, DISTAL HEREDITARY MOTOR, HARDING TYPE VIIB; NEUROPATHY, DISTAL HEREDITARY MOTOR, WITH VOCAL CORD PARALYSIS, HARDING TYPE VIIB; HMN VIIB. Identifiers: Orphanet 139589, MedGen C1843315, MONDO:0011879, OMIM 607641.

Allele frequency attached by ClinVar (database versions not stated): gnomAD exomes below 0.00001 and 0.00003; ExAC 0.00001.
gnomAD v4.1: 37 of 1,614,160 alleles (0.0023%); highest among the groups gnomAD compares: Non-Finnish European, 0.0031%; no homozygotes.

Submission:

Labcorp Genetics (formerly Invitae), Labcorp
Classification: Uncertain significance for Amyotrophic lateral sclerosis type 1; Neuronopathy, distal hereditary motor, type 7B; Perry syndrome. Last evaluated: 2025-06-11. Review status: criteria provided, single submitter. Criteria: Invitae Variant Classification Sherloc (09022015). Collection method: clinical testing. Allele origin: germline.
Comment: This sequence change replaces glutamic acid, which is acidic and polar, with lysine, which is basic and polar, at codon 992 of the DCTN1 protein (p.Glu992Lys). This variant is present in population databases (rs768409522, gnomAD 0.003%). This variant has not been reported in the literature in individuals affected with DCTN1-related conditions. ClinVar contains an entry for this variant (Variation ID: 579633). Invitae Evidence Modeling of protein sequence and biophysical properties (such as structural, functional, and spatial information, amino acid conservation, physicochemical variation, residue mobility, and thermodynamic stability) indicates that this missense variant is not expected to disrupt DCTN1 protein function with a negative predictive value of 95%. In summary, the available evidence is currently insufficient to determine the role of this variant in disease. Therefore, it has been classified as a Variant of Uncertain Significance.

NM_004082.5(DCTN1):c.2974G>A (p.Glu992Lys)

Gene: DCTN1 (dynactin subunit 1; minus strand). Cytogenetic location: 2p13.1.
Variant type: single nucleotide variant.
Coding change: c.2974G>A on transcript NM_004082.5 (MANE Select); coding-DNA position 2974, G replaced by A.
Protein change: p.Glu992Lys; replaces glutamic acid 992 with lysine.
Molecular consequence: missense variant. On other transcripts: non-coding transcript variant (1).
Genome position (GRCh38, 1-based): chr2:74,365,570, C>T on the plus strand (G>A on the coding strand, the complement: DCTN1 is on the minus strand). VCF-style: chr2-74365570-C-T. GRCh37 (hg19) VCF-style: chr2-74592697-C-T.
Other names: c.2905G>A, p.Glu969Lys (NM_001378992.1); c.2572G>A, p.Glu858Lys (NM_001135041.3, NM_023019.4); c.2863G>A, p.Glu955Lys (NM_001190836.2); c.2953G>A, p.Glu985Lys (NM_001190837.2); c.2923G>A, p.Glu975Lys (NM_001378991.1); c.2914G>A, p.Glu972Lys (NM_001135040.3); short protein forms E955K, E992K, E858K, E972K, E985K, E969K, E975K.
Identifiers: ClinVar variation 579633 (VCV000579633.12), dbSNP rs768409522, ClinGen allele CA1721660.